The following is an entry in ClinVar:

NM_173842.3(IL1RN):c.171T>C (p.Ala57=)

Gene: IL1RN (interleukin 1 receptor antagonist; plus strand). Cytogenetic location: 2q14.1.
Variant type: single nucleotide variant.
Coding change: c.171T>C on transcript NM_173842.3 (MANE Select); coding-DNA position 171, T replaced by C.
Protein change: p.Ala57=; no amino-acid change (alanine 57 retained).
Molecular consequence: synonymous variant.
Genome position (GRCh38, 1-based): chr2:113,129,630, T>C. VCF-style: chr2-113129630-T-C. GRCh37 (hg19) VCF-style: chr2-113887207-T-C.
Other names: p.Ala57=; c.117T>C, p.Ala39= (NM_000577.5); c.69T>C, p.Ala23= (NM_001318914.2, NM_001379360.1, NM_173843.3); c.180T>C, p.Ala60= (NM_173841.3).
Identifiers: ClinVar variation 330825 (VCV000330825.26), dbSNP rs419598, ClinGen allele CA1838798.

ClinVar aggregate classification (germline): Benign/Likely benign. Review status: criteria provided, multiple submitters, no conflicts (2 of 4 stars). 10 submissions from 10 submitters: Benign (9); Likely benign (1). Last evaluated 2026-02-04.

Conditions:
Autoinflammatory syndrome. Identifiers: Orphanet 93665, MedGen C3890737, MONDO:0019751.
Sterile multifocal osteomyelitis with periostitis and pustulosis. Also called: CHRONIC RECURRENT MULTIFOCAL OSTEOMYELITIS 2, WITH PERIOSTITIS AND PUSTULOSIS. Identifiers: Orphanet 210115, MedGen C2748507, MONDO:0013021, OMIM 612852.

Allele frequency attached by ClinVar (database versions not stated): 1000 Genomes Project 30x 0.18738; 1000 Genomes Project 0.19169; TOPMed 0.20597; ESP Exome Variant Server 0.20614; gnomAD 0.21244 and 0.21547; ExAC 0.24910; gnomAD exomes 0.25641 and 0.26864.
gnomAD v4.1: 423,657 of 1,609,674 alleles (26%); highest among the groups gnomAD compares: Admixed American, 31%; 59,383 homozygotes.

Submissions (10):

Labcorp Genetics (formerly Invitae), Labcorp
Classification: Benign for Sterile multifocal osteomyelitis with periostitis and pustulosis. Last evaluated: 2026-02-04. Review status: criteria provided, single submitter. Criteria: Invitae Variant Classification Sherloc (09022015). Collection method: clinical testing. Allele origin: germline.

Women's Health and Genetics/Laboratory Corporation of America, LabCorp
Classification: Benign. Last evaluated: 2026-01-21. Review status: criteria provided, single submitter. Criteria: LabCorp Variant Classification Summary - May 2015. Collection method: clinical testing. Allele origin: germline.

Blueprint Genetics
Classification: Likely benign. Last evaluated: 2024-11-26. Review status: criteria provided, single submitter. Criteria: ACMG Guidelines, 2015. Collection method: clinical testing. Allele origin: germline.

Unidad de Genómica Garrahan, Hospital de Pediatría Garrahan
Classification: Benign. Last evaluated: 2023-11-12. Review status: criteria provided, single submitter. Criteria: ACMG Guidelines, 2015. Collection method: clinical testing. Allele origin: germline. Affected: no. Observed: 49 variant alleles.
Comment: This variant is classified as Benign based on local population frequency. This variant was detected in 51% of patients studied by a panel of primary immunodeficiencies. Number of patients: 49. Only high quality variants are reported.

Genome Diagnostics Laboratory, The Hospital for Sick Children
Classification: Benign for Autoinflammatory syndrome. Last evaluated: 2022-01-14. Review status: criteria provided, single submitter. Criteria: ACMG Guidelines, 2015. Collection method: clinical testing. Allele origin: germline. Affected: yes.

GeneDx
Classification: Benign. Last evaluated: 2021-05-04. Review status: criteria provided, single submitter. Criteria: GeneDx Variant Classification Process June 2021. Collection method: clinical testing. Allele origin: germline. Affected: yes.
Comment: This variant is associated with the following publications: (PMID: 17899305, 8641687, 19818512, 12624309, 11841485)

Mayo Clinic Laboratories, Mayo Clinic
Classification: Benign. Last evaluated: 2018-03-22. Review status: criteria provided, single submitter. Criteria: ACMG Guidelines, 2015. Collection method: clinical testing. Allele origin: germline. Observed: 618 variant alleles.

Illumina Laboratory Services, Illumina
Classification: Benign for Sterile multifocal osteomyelitis with periostitis and pustulosis. Last evaluated: 2018-03-06. Review status: criteria provided, single submitter. Criteria: ICSL Variant Classification Criteria 13 December 2019. Collection method: clinical testing. Allele origin: germline.
Comment: This variant was observed in the ICSL laboratory as part of a predisposition screen in an ostensibly healthy population. It had not been previously curated by ICSL or reported in the Human Gene Mutation Database (HGMD: prior to June 1st, 2018), and was therefore a candidate for classification through an automated scoring system. Utilizing variant allele frequency, disease prevalence and penetrance estimates, and inheritance mode, an automated score was calculated to assess if this variant is too frequent to cause the disease. Based on the score and internal cut-off values, a variant classified as benign is not then subjected to further curation. The score for this variant resulted in a classification of benign for this disease.

Laboratory for Molecular Medicine, Mass General Brigham Personalized Medicine
Classification: Benign. Last evaluated: 2016-03-29. Review status: criteria provided, single submitter. Criteria: LMM Criteria. Collection method: clinical testing. Allele origin: germline.
Comment: Variant identified in a genome or exome case(s) and assessed due to predicted null impact of the variant or pathogenic assertions in the literature or databases. Disclaimer: This variant has not undergone full assessment. The following are preliminary notes: Variant associated with alopecia, ankylosing spondylitis, hypertension in pregnancy, carotid atherosclerosis - dubious and not relevant to patient disease

Breakthrough Genomics
Classification: Benign. Review status: criteria provided, single submitter. Criteria: ACMG Guidelines, 2015. Collection method: not provided. Allele origin: germline. Inheritance: Autosomal recessive inheritance. Affected: yes.